The following is an entry in ClinVar:

NM_024426.6(WT1):c.1550A>G (p.Lys517Arg)

Gene: WT1 (WT1 transcription factor; minus strand). Cytogenetic location: 11p13.
Variant type: single nucleotide variant.
Coding change: c.1550A>G on transcript NM_024426.6 (MANE Select); coding-DNA position 1550, A replaced by G.
Protein change: p.Lys517Arg; replaces lysine 517 with arginine.
Molecular consequence: missense variant. On other transcripts: non-coding transcript variant (2).
Genome position (GRCh38, 1-based): chr11:32,389,077, T>C on the plus strand (A>G on the coding strand, the complement: WT1 is on the minus strand). VCF-style: chr11-32389077-T-C. GRCh37 (hg19) VCF-style: chr11-32410623-T-C.
Other names: c.1541A>G, p.Lys514Arg (NM_024424.5); c.1490A>G, p.Lys497Arg (NM_000378.6); c.890A>G, p.Lys297Arg (NM_001198551.2); c.848A>G, p.Lys283Arg (NM_001198552.2); c.362A>G, p.Lys121Arg (NM_001367854.1); c.1535A>G, p.Lys512Arg (NM_001407044.1); c.1499A>G, p.Lys500Arg (NM_001407045.1); c.1457A>G, p.Lys486Arg (NM_001407046.1); and 9 more; short protein forms K121R, K263R, K283R, K297R, K424R, K427R, K441R, K444R.
Identifiers: ClinVar variation 4866793 (VCV004866793.1).

ClinVar aggregate classification (germline): Uncertain significance (1 of 4 stars; one submission).

Conditions:
Inborn genetic diseases. Identifiers: MedGen C0950123, MeSH D030342.

Submission:

Ambry Genetics
Classification: Uncertain significance for Inborn genetic diseases. Last evaluated: 2026-04-12. Review status: criteria provided, single submitter. Criteria: Ambry Variant Classification Scheme 2023. Collection method: clinical testing. Allele origin: germline.
Comment: The p.K512R variant (also known as c.1535A>G), located in coding exon 10 of the WT1 gene, results from an A to G substitution at nucleotide position 1535. The lysine at codon 512 is replaced by arginine, an amino acid with highly similar properties. This amino acid position is conserved. In addition, this alteration is predicted to be tolerated by in silico analysis. Based on the available evidence, the clinical significance of this variant remains unclear.